The following is an entry in ClinVar:

ClinVar aggregate classification (germline): Likely benign. Review status: criteria provided, multiple submitters, no conflicts (2 of 4 stars). 2 submissions from 2 submitters: Likely benign (2). Last evaluated 2018-01-13.

Conditions:
Charcot-Marie-Tooth disease type 4H (CMT4H). Also called: CHARCOT-MARIE-TOOTH DISEASE, AUTOSOMAL RECESSIVE, TYPE 4H; CHARCOT-MARIE-TOOTH DISEASE, DEMYELINATING, AUTOSOMAL RECESSIVE, TYPE 4H; CHARCOT-MARIE-TOOTH NEUROPATHY, TYPE 4H; CHARCOT-MARIE-TOOTH DISEASE, DEMYELINATING, TYPE 4H. Identifiers: Orphanet 99954, MedGen C1836336, MONDO:0012250, OMIM 609311.

Allele frequency attached by ClinVar (database versions not stated): 1000 Genomes Project 0.00379; gnomAD 0.00409 and 0.00441; TOPMed 0.00420; 1000 Genomes Project 30x 0.00422.

Submissions (2):

Illumina Laboratory Services, Illumina
Classification: Likely benign for Charcot-Marie-Tooth disease type 4H. Last evaluated: 2018-01-13. Review status: criteria provided, single submitter. Criteria: ICSL Variant Classification Criteria 13 December 2019. Collection method: clinical testing. Allele origin: germline.
Comment: This variant was observed in the ICSL laboratory as part of a predisposition screen in an ostensibly healthy population. It had not been previously curated by ICSL or reported in the Human Gene Mutation Database (HGMD: prior to June 1st, 2018), and was therefore a candidate for classification through an automated scoring system. Utilizing variant allele frequency, disease prevalence and penetrance estimates, and inheritance mode, an automated score was calculated to assess if this variant is too frequent to cause the disease. Based on the score and internal cut-off values, a variant classified as likely benign is not then subjected to further curation. The score for this variant resulted in a classification of likely benign for this disease.

Breakthrough Genomics
Classification: Likely benign. Review status: criteria provided, single submitter. Criteria: ACMG Guidelines, 2015. Collection method: not provided. Allele origin: germline. Inheritance: Autosomal recessive inheritance. Affected: yes.

NM_001370298.3(FGD4):c.*3676A>G

Gene: FGD4 (FYVE, RhoGEF and PH domain containing 4; plus strand). Cytogenetic location: 12p11.21.
Variant type: single nucleotide variant.
Coding change: c.*3676A>G on transcript NM_001370298.3 (MANE Select); 3676 bases downstream of the stop codon, A replaced by G.
Molecular consequence: 3 prime UTR variant. On other transcripts: intron variant (3).
Genome position (GRCh38, 1-based): chr12:32,644,209, A>G. VCF-style: chr12-32644209-A-G. GRCh37 (hg19) VCF-style: chr12-32797143-A-G.
Other names: c.*3676A>G (NM_001304481.2, NM_001304484.2, NM_001330373.2 and 5 more transcripts); c.2633-385A>G (NM_001384126.1); c.2222-385A>G (NM_001384127.1, NM_001384128.1).
Identifiers: ClinVar variation 308350 (VCV000308350.6), dbSNP rs189489067, ClinGen allele CA10640941.